The following is an entry in ClinVar:

ClinVar aggregate classification (germline): Uncertain significance (1 of 4 stars; one submission).

Submission:

GeneDx
Classification: Uncertain significance. Last evaluated: 2025-02-25. Review status: criteria provided, single submitter. Criteria: GeneDx Variant Classification Process June 2021. Collection method: clinical testing. Allele origin: germline. Affected: yes.
Comment: Not observed at significant frequency in large population cohorts (gnomAD); In silico analysis supports that this missense variant has a deleterious effect on protein structure/function; Has not been previously published as pathogenic or benign to our knowledge

NM_000937.5(POLR2A):c.4948T>C (p.Tyr1650His)

Gene: POLR2A (RNA polymerase II subunit A; plus strand). Cytogenetic location: 17p13.1.
Variant type: single nucleotide variant.
Coding change: c.4948T>C on transcript NM_000937.5 (MANE Select); coding-DNA position 4948, T replaced by C.
Protein change: p.Tyr1650His; replaces tyrosine 1650 with histidine.
Molecular consequence: missense variant.
Genome position (GRCh38, 1-based): chr17:7,513,212, T>C. VCF-style: chr17-7513212-T-C. GRCh37 (hg19) VCF-style: chr17-7416531-T-C.
Other names: short protein forms Y1650H.
Identifiers: ClinVar variation 4076936 (VCV004076936.1).